The following is an entry in ClinVar:

ClinVar aggregate classification (germline): Pathogenic (1 of 4 stars; one submission).

Conditions:
Hereditary cancer-predisposing syndrome. Also called: Neoplastic Syndromes, Hereditary; Tumor predisposition; Hereditary neoplastic syndrome; Hereditary Cancer Syndrome. Identifiers: Orphanet 140162, MedGen C0027672, MeSH D009386, MONDO:0015356.

Submission:

Ambry Genetics
Classification: Pathogenic for Hereditary cancer-predisposing syndrome. Last evaluated: 2025-06-27. Review status: criteria provided, single submitter. Criteria: Ambry Variant Classification Scheme 2023. Collection method: clinical testing. Allele origin: germline.
Comment: The c.7836dupG pathogenic mutation, located in coding exon 52 of the ATM gene, results from a duplication of G at nucleotide position 7836, causing a translational frameshift with a predicted alternate stop codon (p.R2613Efs*9). This variant is considered to be rare based on population cohorts in the Genome Aggregation Database (gnomAD). This alteration is expected to result in loss of function by premature protein truncation or nonsense-mediated mRNA decay. As such, this alteration is interpreted as a disease-causing mutation.

NM_000051.4(ATM):c.7836dup (p.Arg2613fs)

Genes: ATM (ATM serine/threonine kinase; plus strand), C11orf65 (chromosome 11 open reading frame 65; minus strand). Cytogenetic location: 11q22.3.
Variant type: Duplication.
Coding change: c.7836dup on transcript NM_000051.4 (MANE Select); coding-DNA position 7836, one base duplicated (G; older notation c.7836dupG).
Protein change: p.Arg2613fs; shifts the reading frame from arginine 2613.
Molecular consequence: frameshift variant. On other transcripts: intron variant (2).
Genome position (GRCh38, 1-based): chr11:108,332,809, G duplicated; the last of 2 consecutive G bases (chr11:108,332,808-108,332,809); duplicating either gives the same sequence. VCF-style (leftmost placement, unchanged base first): chr11-108332807-A-AG. GRCh37 (hg19) VCF-style: chr11-108203534-A-AG.
Other names: c.7836dup, p.Arg2613fs (NM_001351834.2); c.641-23737dup (NM_001330368.2); c.*38+2412dup (NM_001351110.2); c.7836dupG (NM_000051.3); short protein forms R2613fs.
Identifiers: ClinVar variation 4168710 (VCV004168710.1).